The following is an entry in ClinVar:

NM_001378454.1(ALMS1):c.1073A>T (p.Glu358Val)

Gene: ALMS1 (ALMS1 centrosome and basal body associated protein; plus strand). Cytogenetic location: 2p13.1.
Variant type: single nucleotide variant.
Coding change: c.1073A>T on transcript NM_001378454.1 (MANE Select); coding-DNA position 1073, A replaced by T.
Protein change: p.Glu358Val; replaces glutamic acid 358 with valine.
Molecular consequence: missense variant.
Genome position (GRCh38, 1-based): chr2:73,424,738, A>T. VCF-style: chr2-73424738-A-T. GRCh37 (hg19) VCF-style: chr2-73651866-A-T.
Other names: c.1076A>T, p.Glu359Val (NM_015120.4); short protein forms E358V, E359V.
Identifiers: ClinVar variation 1784890 (VCV001784890.2), dbSNP rs1047764250, ClinGen allele CA50368498.

ClinVar aggregate classification (germline): Uncertain significance (1 of 4 stars; one submission).

Conditions:
Cardiovascular phenotype. Identifiers: MedGen CN230736.

Allele frequency attached by ClinVar (database versions not stated): TOPMed below 0.00001.
gnomAD v4.1: 2 of 1,614,124 alleles (0.00012%); highest among the groups gnomAD compares: African/African-American, 0.0027%; no homozygotes.

Submission:

Ambry Genetics
Classification: Uncertain significance for Cardiovascular phenotype. Last evaluated: 2021-09-23. Review status: criteria provided, single submitter. Criteria: Ambry Variant Classification Scheme 2023. Collection method: clinical testing. Allele origin: germline.
Comment: The p.E359V variant (also known as c.1076A>T), located in coding exon 5 of the ALMS1 gene, results from an A to T substitution at nucleotide position 1076. The glutamic acid at codon 359 is replaced by valine, an amino acid with dissimilar properties. This amino acid position is well conserved in available vertebrate species. In addition, this alteration is predicted to be tolerated by in silico analysis. Since supporting evidence is limited at this time, the clinical significance of this alteration remains unclear.